The following is an entry in ClinVar:

NM_000501.4(ELN):c.1083T>C (p.Gly361=)

Gene: ELN (elastin; plus strand). Cytogenetic location: 7q11.23.
Variant type: single nucleotide variant.
Coding change: c.1083T>C on transcript NM_000501.4 (MANE Select); coding-DNA position 1083, T replaced by C.
Protein change: p.Gly361=; no amino-acid change (glycine 361 retained).
Molecular consequence: synonymous variant.
Genome position (GRCh38, 1-based): chr7:74,053,296, T>C. VCF-style: chr7-74053296-T-C. GRCh37 (hg19) VCF-style: chr7-73467626-T-C.
Other names: c.1053T>C, p.Gly351= (NM_001081752.3, NM_001278917.2); c.1098T>C, p.Gly366= (NM_001081753.3, NM_001081754.3); c.1083T>C, p.Gly361= (NM_001081755.3, NM_001278912.2, NM_001278915.2 and 1 more transcripts); c.975T>C, p.Gly325= (NM_001278913.2); c.1068T>C, p.Gly356= (NM_001278914.2); c.1041T>C, p.Gly347= (NM_001278916.2); c.951T>C, p.Gly317= (NM_001278918.2).
Identifiers: ClinVar variation 3031259 (VCV003031259.3), dbSNP rs1563826784, ClinGen allele CA455885111.

ClinVar aggregate classification (germline): Likely benign. Review status: criteria provided, single submitter (1 of 4 stars). 2 submissions from 2 submitters: Likely benign (1). 1 of the submissions does not count toward it. Last evaluated 2023-10-11.

Conditions:
ELN-related disorder.

Allele frequency attached by ClinVar (database versions not stated): TOPMed below 0.00001; gnomAD exomes 0.00002.
gnomAD v4.1: 29 of 1,612,504 alleles (0.0018%); highest among the groups gnomAD compares: Non-Finnish European, 0.0025%; no homozygotes.

Submissions (2):

Blueprint Genetics
Classification: Likely benign. Last evaluated: 2023-10-11. Review status: criteria provided, single submitter. Criteria: ACMG Guidelines, 2015. Collection method: clinical testing. Allele origin: germline.

PreventionGenetics, part of Exact Sciences
Classification: Likely benign for ELN-related condition. Last evaluated: 2021-04-26. Review status: no assertion criteria provided. Collection method: clinical testing. Allele origin: germline. Not counted in ClinVar's aggregate classification.
Comment: This variant is classified as likely benign based on ACMG/AMP sequence variant interpretation guidelines (Richards et al. 2015 PMID: 25741868, with internal and published modifications).